The following is an entry in ClinVar:

NM_000051.4(ATM):c.8545C>G (p.Arg2849Gly)

Genes: C11orf65 (chromosome 11 open reading frame 65; minus strand), ATM (ATM serine/threonine kinase; plus strand). Cytogenetic location: 11q22.3.
Variant type: single nucleotide variant.
Coding change: c.8545C>G on transcript NM_000051.4 (MANE Select); coding-DNA position 8545, C replaced by G.
Protein change: p.Arg2849Gly; replaces arginine 2849 with glycine.
Molecular consequence: missense variant. On other transcripts: intron variant (2).
Genome position (GRCh38, 1-based): chr11:108,345,869, C>G. VCF-style: chr11-108345869-C-G. GRCh37 (hg19) VCF-style: chr11-108216596-C-G.
Other names: c.641-36798G>C (NM_001330368.2); c.695-10577G>C (NM_001351110.2); c.8545C>G, p.Arg2849Gly (NM_001351834.2); short protein forms R2849G.
Identifiers: ClinVar variation 479061 (VCV000479061.15), dbSNP rs587778080, ClinGen allele CA382518434.

ClinVar aggregate classification (germline): Uncertain significance. Review status: criteria provided, multiple submitters, no conflicts (2 of 4 stars). 3 submissions from 3 submitters: Uncertain significance (3). Last evaluated 2024-04-10.

Conditions:
Hereditary cancer-predisposing syndrome. Also called: Neoplastic Syndromes, Hereditary; Hereditary Cancer Syndrome; Tumor predisposition; Hereditary neoplastic syndrome. Identifiers: Orphanet 140162, MedGen C0027672, MeSH D009386, MONDO:0015356.
Ataxia-telangiectasia syndrome (AT). Also called: LOUIS-BAR SYNDROME; Cerebello-oculocutaneous telangiectasia; Immunodeficiency with ataxia telangiectasia; Ataxia-telangiectasia, complementation group D; AT, COMPLEMENTATION GROUP C; Ataxia-telangiectasia, complementation group E. Identifiers: Orphanet 100, MedGen C0004135, MONDO:0008840, OMIM 208900.

Submissions (3):

Labcorp Genetics (formerly Invitae), Labcorp
Classification: Uncertain significance for Ataxia-telangiectasia syndrome. Last evaluated: 2024-04-10. Review status: criteria provided, single submitter. Criteria: Invitae Variant Classification Sherloc (09022015). Collection method: clinical testing. Allele origin: germline.
Comment: This sequence change replaces arginine, which is basic and polar, with glycine, which is neutral and non-polar, at codon 2849 of the ATM protein (p.Arg2849Gly). This variant is not present in population databases (gnomAD no frequency). This variant has not been reported in the literature in individuals affected with ATM-related conditions. ClinVar contains an entry for this variant (Variation ID: 479061). An algorithm developed to predict the effect of missense changes on protein structure and function (PolyPhen-2) suggests that this variant is likely to be disruptive. This variant disrupts the p.Arg2849 amino acid residue in ATM. Other variant(s) that disrupt this residue have been determined to be pathogenic (PMID: 9887333, 11805335, 23667852). This suggests that this residue is clinically significant, and that variants that disrupt this residue are likely to be disease-causing. In summary, the available evidence is currently insufficient to determine the role of this variant in disease. Therefore, it has been classified as a Variant of Uncertain Significance.

Ambry Genetics
Classification: Uncertain significance for Hereditary cancer-predisposing syndrome. Last evaluated: 2023-06-26. Review status: criteria provided, single submitter. Criteria: Ambry Variant Classification Scheme 2023. Collection method: clinical testing. Allele origin: germline.
Comment: The p.R2849G variant (also known as c.8545C>G), located in coding exon 57 of the ATM gene, results from a C to G substitution at nucleotide position 8545. The arginine at codon 2849 is replaced by glycine, an amino acid with dissimilar properties. A similar alteration at the same codon (p.R2849P) has been described in an individual with ataxia-telangiectasia, whose second pathogenic alteration was not known. Immunoblot analysis of this individual's lymphoblastoid cell line revealed no detectable amounts of ATM protein (Sandoval N et al. Hum. Mol. Genet. 1999; 8:69-79). This amino acid position is highly conserved in available vertebrate species. This alteration is predicted to be deleterious by BayesDel in silico analysis. Since supporting evidence is limited at this time, the clinical significance of this alteration remains unclear.

Women's Health and Genetics/Laboratory Corporation of America, LabCorp
Classification: Uncertain significance. Last evaluated: 2020-10-09. Review status: criteria provided, single submitter. Criteria: LabCorp Variant Classification Summary - May 2015. Collection method: clinical testing. Allele origin: germline.
Comment: Variant summary: ATM c.8545C>G (p.Arg2849Gly) results in a non-conservative amino acid change located in the phosphatidyl 3-/4 kinase, catalytic domain (IPR000403) of the encoded protein sequence. Five of five in-silico tools predict a damaging effect of the variant on protein function. The variant was absent in 251124 control chromosomes. The available data on variant occurrences in the general population are insufficient to allow any conclusion about variant significance. To our knowledge, no occurrence of c.8545C>G in individuals affected with Ataxia-Telangiectasia and no experimental evidence demonstrating its impact on protein function have been reported. One clinical diagnostic laboratory has submitted clinical-significance assessments for this variant to ClinVar after 2014 without evidence for independent evaluation and classified the variant as uncertain significance. Based on the evidence outlined above, the variant was classified as uncertain significance.

Literature cited by the submitters: PubMed 9887333 (cited by Labcorp Genetics (formerly Invitae), Labcorp and Ambry Genetics); PubMed 11805335 (cited by Labcorp Genetics (formerly Invitae), Labcorp); PubMed 23667852 (cited by Labcorp Genetics (formerly Invitae), Labcorp).